The following is an entry in ClinVar:

NM_005228.5(EGFR):c.1723G>A (p.Gly575Arg)

Gene: EGFR (epidermal growth factor receptor; plus strand). Cytogenetic location: 7p11.2.
Variant type: single nucleotide variant.
Coding change: c.1723G>A on transcript NM_005228.5 (MANE Select); coding-DNA position 1723, G replaced by A.
Protein change: p.Gly575Arg; replaces glycine 575 with arginine.
Molecular consequence: missense variant.
Genome position (GRCh38, 1-based): chr7:55,165,280, G>A. VCF-style: chr7-55165280-G-A. GRCh37 (hg19) VCF-style: chr7-55232973-G-A.
Other names: c.1588G>A, p.Gly530Arg (NM_001346897.2, NM_001346899.2); c.1723G>A, p.Gly575Arg (NM_001346898.2, NM_201282.2, NM_201284.2); c.1564G>A, p.Gly522Arg (NM_001346900.2); c.922G>A, p.Gly308Arg (NM_001346941.2); short protein forms G530R, G308R, G522R, G575R.
Identifiers: ClinVar variation 1485669 (VCV001485669.6), dbSNP rs2128946046, ClinGen allele CA367580610.

ClinVar aggregate classification (germline): Uncertain significance (1 of 4 stars; one submission).

Conditions:
EGFR-related lung cancer (EGFR). Identifiers: MedGen CN130014.

Allele frequency attached by ClinVar (database versions not stated): gnomAD exomes below 0.00001.
gnomAD v4.1: 3 of 1,614,110 alleles (0.00019%); highest among the groups gnomAD compares: South Asian, 0.0033%; no homozygotes.

Submission:

Labcorp Genetics (formerly Invitae), Labcorp
Classification: Uncertain significance for EGFR-related lung cancer. Last evaluated: 2021-10-31. Review status: criteria provided, single submitter. Criteria: Invitae Variant Classification Sherloc (09022015). Collection method: clinical testing. Allele origin: germline.
Comment: In summary, the available evidence is currently insufficient to determine the role of this variant in disease. Therefore, it has been classified as a Variant of Uncertain Significance. Algorithms developed to predict the effect of missense changes on protein structure and function are either unavailable or do not agree on the potential impact of this missense change (SIFT: "Deleterious"; PolyPhen-2: "Benign"; Align-GVGD: "Class C65"). This variant has not been reported in the literature in individuals affected with EGFR-related conditions. This variant is not present in population databases (gnomAD no frequency). This sequence change replaces glycine, which is neutral and non-polar, with arginine, which is basic and polar, at codon 575 of the EGFR protein (p.Gly575Arg).